The following is an entry in ClinVar:

NM_001351132.2(PEX5):c.143A>G (p.Glu48Gly)

Gene: PEX5 (peroxisomal biogenesis factor 5; plus strand). Cytogenetic location: 12p13.31.
Variant type: single nucleotide variant.
Coding change: c.143A>G on transcript NM_001351132.2 (MANE Select); coding-DNA position 143, A replaced by G.
Protein change: p.Glu48Gly; replaces glutamic acid 48 with glycine.
Molecular consequence: missense variant.
Genome position (GRCh38, 1-based): chr12:7,190,520, A>G. VCF-style: chr12-7190520-A-G. GRCh37 (hg19) VCF-style: chr12-7343116-A-G.
Other names: c.143A>G, p.Glu48Gly (NM_000319.5, NM_001131023.2, NM_001131024.2 and 22 more transcripts); short protein forms E48G.
Identifiers: ClinVar variation 4772780 (VCV004772780.1).
Genomic context (GRCh38, chr12:7,190,520, plus strand): 5'-AGGCCCTTCGGCAGGAGGGATTGAGGCCTGGCCCCTGGCCCCCCGGAGCCCCGGCCTCTG[A>G]GGCAGTGAGTGTTCTTGAGGTGGAAAGCCCAGGTGCAGCCTCTGAGGCAGTGAGTGTTCT-3'
Protein context (NP_001338061.1, residues 38-58): GPWPPGAPAS[Glu48Gly]AASKPLGVAS

ClinVar aggregate classification (germline): Uncertain significance (1 of 4 stars; one submission).

Conditions:
Peroxisome biogenesis disorder 2B (PBD2B). Identifiers: Orphanet 44, MedGen C3550234, MONDO:0008736, OMIM 202370.

Submission:

Labcorp Genetics (formerly Invitae), Labcorp
Classification: Uncertain significance for Peroxisome biogenesis disorder 2B. Last evaluated: 2025-09-20. Review status: criteria provided, single submitter. Criteria: Invitae Variant Classification Sherloc (09022015). Collection method: clinical testing. Allele origin: germline.
Comment: This sequence change replaces glutamic acid, which is acidic and polar, with glycine, which is neutral and non-polar, at codon 48 of the PEX5 protein (p.Glu48Gly). This variant is not present in population databases (gnomAD no frequency). This variant has not been reported in the literature in individuals affected with PEX5-related conditions. An algorithm developed to predict the effect of missense changes on protein structure and function (PolyPhen-2) suggests that this variant is likely to be tolerated. Algorithms developed to predict the effect of sequence changes on RNA splicing suggest that this variant may disrupt the consensus splice site. In summary, the available evidence is currently insufficient to determine the role of this variant in disease. Therefore, it has been classified as a Variant of Uncertain Significance.